The following is an entry in ClinVar:

ClinVar aggregate classification (germline): Likely benign. Review status: criteria provided, multiple submitters, no conflicts (2 of 4 stars). 4 submissions from 4 submitters: Likely benign (3). 1 of the submissions does not count toward it. Last evaluated 2025-11-04.

Conditions:
PLEC-related disorder. Also called: PLEC-related disorders; PLEC-related condition.
Epidermolysis bullosa simplex, Ogna type (EBS5A). Also called: Pidermolysis bullosa simplex 5A, Ogna type; EPIDERMOLYSIS BULLOSA SIMPLEX 5A, OGNA TYPE. Identifiers: Orphanet 79401, MedGen C0432317, MONDO:0007555, OMIM 131950.
Epidermolysis bullosa simplex with nail dystrophy (EBS5D). Identifiers: MedGen C4225309, MONDO:0014661, OMIM 616487.
Epidermolysis bullosa simplex 5B, with muscular dystrophy (EBS5B). Also called: EPIDERMOLYSIS BULLOSA SIMPLEX AND LIMB-GIRDLE MUSCULAR DYSTROPHY; Epidermolysis bullosa simplex with muscular dystrophy. Identifiers: Orphanet 257, MedGen C2931072, MONDO:0009181, OMIM 226670.
Epidermolysis bullosa simplex 5C, with pyloric atresia (EBS5C). Also called: PLEC1-Related Epidermolysis Bullosa with Pyloric Atresia; Epidermolysis bullosa simplex with pyloric atresia; PLEC-Related Epidermolysis Bullosa with Pyloric Atresia. Identifiers: Orphanet 158684, MedGen C2677349, MONDO:0012807, OMIM 612138.
Autosomal recessive limb-girdle muscular dystrophy type 2Q (LGMDR17). Also called: MUSCULAR DYSTROPHY, LIMB-GIRDLE, AUTOSOMAL RECESSIVE 17. Identifiers: Orphanet 254361, MedGen C3150989, MONDO:0013390, OMIM 613723.

Allele frequency attached by ClinVar (database versions not stated): gnomAD exomes 0.00002 and 0.00003; ExAC 0.00003; gnomAD 0.00005; TOPMed 0.00005.
gnomAD v4.1: 55 of 1,585,648 alleles (0.0035%); highest among the groups gnomAD compares: Non-Finnish European, 0.0033%; no homozygotes.

Submissions (4):

Labcorp Genetics (formerly Invitae), Labcorp
Classification: Likely benign for Autosomal recessive limb-girdle muscular dystrophy type 2Q; Epidermolysis bullosa simplex, Ogna type; Epidermolysis bullosa simplex with nail dystrophy; Epidermolysis bullosa simplex 5C, with pyloric atresia; Epidermolysis bullosa simplex 5B, with muscular dystrophy. Last evaluated: 2025-11-04. Review status: criteria provided, single submitter. Criteria: Invitae Variant Classification Sherloc (09022015). Collection method: clinical testing. Allele origin: germline.

Blueprint Genetics
Classification: Likely benign. Last evaluated: 2024-11-23. Review status: criteria provided, single submitter. Criteria: ACMG Guidelines, 2015. Collection method: clinical testing. Allele origin: germline.

GeneDx
Classification: Likely benign. Last evaluated: 2018-01-31. Review status: criteria provided, single submitter. Criteria: GeneDx Variant Classification (06012015). Collection method: clinical testing. Allele origin: germline. Affected: yes.
Comment: This variant is considered likely benign or benign based on one or more of the following criteria: it is a conservative change, it occurs at a poorly conserved position in the protein, it is predicted to be benign by multiple in silico algorithms, and/or has population frequency not consistent with disease.

PreventionGenetics, part of Exact Sciences
Classification: Likely benign for PLEC-related condition. Last evaluated: 2023-12-10. Review status: no assertion criteria provided. Collection method: clinical testing. Allele origin: germline. Not counted in ClinVar's aggregate classification.
Comment: This variant is classified as likely benign based on ACMG/AMP sequence variant interpretation guidelines (Richards et al. 2015 PMID: 25741868, with internal and published modifications).

NM_201384.3(PLEC):c.4674G>A (p.Glu1558=)

Gene: PLEC (plectin; minus strand). Cytogenetic location: 8q24.3.
Variant type: single nucleotide variant.
Coding change: c.4674G>A on transcript NM_201384.3 (MANE Select); coding-DNA position 4674, G replaced by A.
Protein change: p.Glu1558=; no amino-acid change (glutamic acid 1558 retained).
Molecular consequence: synonymous variant.
Genome position (GRCh38, 1-based): chr8:143,925,255, C>T on the plus strand (G>A on the coding strand, the complement: PLEC is on the minus strand). VCF-style: chr8-143925255-C-T. GRCh37 (hg19) VCF-style: chr8-144999423-C-T.
Other names: c.4755G>A, p.Glu1585= (NM_000445.5); c.4632G>A, p.Glu1544= (NM_201378.4); c.4608G>A, p.Glu1536= (NM_201379.3); c.5085G>A, p.Glu1695= (NM_201380.4); c.4578G>A, p.Glu1526= (NM_201381.3); c.4674G>A, p.Glu1558= (NM_201382.4); c.4686G>A, p.Glu1562= (NM_201383.3); c.4755G>A (NM_000445.4).
Identifiers: ClinVar variation 515132 (VCV000515132.12), dbSNP rs782298790, ClinGen allele CA4926578.